The following is an entry in ClinVar:

GRCh38/hg38 9p24.2(chr9:2324333-2501030)x1

Genes: LOC124210606 (Sharpr-MPRA regulatory region 8982; plus strand), LOC126860557 (MED14-independent group 3 enhancer GRCh37_chr9:2361801-2363000; plus strand). Cytogenetic location: 9p24.2.
Variant type: copy number loss.
Change: copy number 1 (one copy instead of two) of chr9:2,324,333-2,501,030 (176.7 kb, GRCh38 coordinates, 1-based), cytogenetic band 9p24.2.
Identifiers: ClinVar variation 59052 (VCV000059052.1).

ClinVar aggregate classification (germline): Uncertain significance (1 of 4 stars; one submission).

Submission:

ISCA site 4
Classification: Uncertain significance. Last evaluated: 2011-08-12. Review status: criteria provided, single submitter. Criteria: Kaminsky et al. (Genet Med. 2011). Collection method: clinical testing. Allele origin: de novo. Affected: yes. Observed: 1 variant allele.
Comment: Copy number variation identified through the course of routine clinical cytogenomic testing in postnatal populations. Clinical assertions have been curated as described in Kaminsky et al. 2011.